The following is an entry in ClinVar:

ClinVar aggregate classification (germline): Pathogenic (1 of 4 stars; one submission).

Conditions:
Hereditary breast ovarian cancer syndrome. Also called: Hereditary breast and ovarian cancer; Breast and ovarian cancer; BRCA1- and BRCA2-Associated Hereditary Breast and Ovarian Cancer; Hereditary breast and/or ovarian cancer syndrome; Hereditary breast and ovarian cancer syndrome; Hereditary breast and ovarian cancer syndrome (HBOC). Identifiers: Orphanet 145, MedGen C0677776, MeSH D061325, MONDO:0003582. Disease mechanism: loss of function.

Submission:

Labcorp Genetics (formerly Invitae), Labcorp
Classification: Pathogenic for Hereditary breast ovarian cancer syndrome. Last evaluated: 2020-09-18. Review status: criteria provided, single submitter. Criteria: Invitae Variant Classification Sherloc (09022015). Collection method: clinical testing. Allele origin: germline.
Comment: This sequence change creates a premature translational stop signal (p.Arg320Metfs*2) in the BRCA1 gene. It is expected to result in an absent or disrupted protein product. For these reasons, this variant has been classified as Pathogenic. Loss-of-function variants in BRCA1 are known to be pathogenic (PMID: 20104584). This variant has not been reported in the literature in individuals with BRCA1-related conditions. This variant is not present in population databases (ExAC no frequency).

Literature cited by the submitters: PubMed 20104584.

NM_007294.4(BRCA1):c.959_981del (p.Arg320fs)

Gene: BRCA1 (BRCA1 DNA repair associated; minus strand). Cytogenetic location: 17q21.31.
Variant type: Deletion.
Coding change: c.959_981del on transcript NM_007294.4 (MANE Select); coding-DNA positions 959 to 981, 23 bases deleted (GATGGGCTGGAAGTAAGGAAACA).
Protein change: p.Arg320fs; shifts the reading frame from arginine 320.
Molecular consequence: frameshift variant. On other transcripts: intron variant (137).
Genome position (GRCh38, 1-based): chr17:43,094,550-43,094,572, TGTTTCCTTACTTCCAGCCCATC deleted on the plus strand (GATGGGCTGGAAGTAAGGAAACA on the coding strand, the reverse complement: BRCA1 is on the minus strand); deleting any 23 consecutive bases within chr17:43,094,550-43,094,576 gives the same sequence; the c. name uses the placement nearest the transcript's 3' end. VCF-style (leftmost placement, unchanged base first): chr17-43094549-ATGTTTCCTTACTTCCAGCCCATC-A. GRCh37 (hg19) VCF-style: chr17-41246566-ATGTTTCCTTACTTCCAGCCCATC-A.
Other names: c.749_771del, p.Arg250fs (NM_001407884.1, NM_001407885.1, NM_001407886.1 and 13 more transcripts); c.746_768del, p.Arg249fs (NM_001407894.1, NM_001407895.1, NM_001407896.1 and 9 more transcripts); c.836_858del, p.Arg279fs (NM_001407919.1, NM_001407648.1, NM_001407664.1 and 19 more transcripts); c.695_717del, p.Arg232fs (NM_001407920.1, NM_001407921.1, NM_001407922.1 and 9 more transcripts); c.959_981del, p.Arg320fs (NM_001407581.1, NM_001407582.1, NM_001407583.1 and 30 more transcripts); c.956_978del, p.Arg319fs (NM_001407587.1, NM_001407590.1, NM_001407591.1 and 22 more transcripts); c.950_972del, p.Arg317fs (NM_001407646.1, NM_001407647.1); c.833_855del, p.Arg278fs (NM_001407649.1, NM_001407670.1, NM_001407671.1 and 11 more transcripts); and 40 more; short protein forms R273fs, R320fs, R193fs, R252fs, R272fs, R279fs, R293fs, R192fs.
Identifiers: ClinVar variation 1075200 (VCV001075200.8), dbSNP rs2154481407, ClinGen allele CA2499224568.